The following is an entry in ClinVar:

ClinVar aggregate classification (germline): Uncertain significance (1 of 4 stars; one submission).

Allele frequency attached by ClinVar (database versions not stated): gnomAD exomes below 0.00001; TOPMed 0.00001.
gnomAD v4.1: 1 of 1,612,674 alleles (0.000062%); highest among the groups gnomAD compares: Non-Finnish European, 0.000085%; no homozygotes.

Submission:

Labcorp Genetics (formerly Invitae), Labcorp
Classification: Uncertain significance. Last evaluated: 2024-01-25. Review status: criteria provided, single submitter. Criteria: Invitae Variant Classification Sherloc (09022015). Collection method: clinical testing. Allele origin: germline.
Comment: This sequence change replaces threonine, which is neutral and polar, with isoleucine, which is neutral and non-polar, at codon 48 of the ACAN protein (p.Thr48Ile). This variant is not present in population databases (gnomAD no frequency). This variant has not been reported in the literature in individuals affected with ACAN-related conditions. Advanced modeling of protein sequence and biophysical properties (such as structural, functional, and spatial information, amino acid conservation, physicochemical variation, residue mobility, and thermodynamic stability) performed at Invitae indicates that this missense variant is not expected to disrupt ACAN protein function with a negative predictive value of 80%. In summary, the available evidence is currently insufficient to determine the role of this variant in disease. Therefore, it has been classified as a Variant of Uncertain Significance.

NM_001369268.1(ACAN):c.143C>T (p.Thr48Ile)

Gene: ACAN (aggrecan; plus strand). Cytogenetic location: 15q26.1.
Variant type: single nucleotide variant.
Coding change: c.143C>T on transcript NM_001369268.1 (MANE Select); coding-DNA position 143, C replaced by T.
Protein change: p.Thr48Ile; replaces threonine 48 with isoleucine.
Molecular consequence: missense variant.
Genome position (GRCh38, 1-based): chr15:88,838,735, C>T. VCF-style: chr15-88838735-C-T. GRCh37 (hg19) VCF-style: chr15-89381966-C-T.
Other names: c.143C>T, p.Thr48Ile (NM_001135.4, NM_001411096.1, NM_001411097.1 and 1 more transcripts); short protein forms T48I.
Identifiers: ClinVar variation 2873831 (VCV002873831.3), dbSNP rs1279018978, ClinGen allele CA393714811.
Genomic context (GRCh38, chr15:88,838,735, plus strand): 5'-CGCTGAGTGTCAGCATCCCCCAACCGTCCCCGCTGAGGGTCCTCCTGGGGACCTCCCTCA[C>T]CATCCCCTGCTATTTCATCGACCCCATGCACCCTGTGACCACCGCCCCTTCTACCGCCCC-3'
Protein context (NP_001356197.1, residues 38-58): PLRVLLGTSL[Thr48Ile]IPCYFIDPMH